The following is an entry in ClinVar:

NM_024529.5(CDC73):c.1574A>G (p.His525Arg)

Gene: CDC73 (cell division cycle 73; plus strand). Cytogenetic location: 1q31.2.
Variant type: single nucleotide variant.
Coding change: c.1574A>G on transcript NM_024529.5 (MANE Select); coding-DNA position 1574, A replaced by G.
Protein change: p.His525Arg; replaces histidine 525 with arginine.
Molecular consequence: missense variant.
Genome position (GRCh38, 1-based): chr1:193,250,690, A>G. VCF-style: chr1-193250690-A-G. GRCh37 (hg19) VCF-style: chr1-193219820-A-G.
Other names: short protein forms H525R.
Identifiers: ClinVar variation 531643 (VCV000531643.14), dbSNP rs188778681, ClinGen allele CA35103495.
Genomic context (GRCh38, chr1:193,250,690, plus strand): 5'-CTAAAATTCCTATAGTCATTATAACCTACCATAATATTTTTTTCAGGTACATGGTAAAGC[A>G]TAAATCGCACTTGAGATTCTGAATTATTTGGCTCCTCCATTTCTGGAAATTGAGACTCAA-3'
Protein context (NP_078805.3, residues 515-531): WETLDRYMVK[His525Arg]KSHLRF

ClinVar aggregate classification (germline): Conflicting classifications of pathogenicity. Review status: criteria provided, conflicting classifications (1 of 4 stars). 3 submissions from 3 submitters: Uncertain significance (2); Likely benign (1). Last evaluated 2025-12-23.

Conditions:
Parathyroid carcinoma (PRTC). Also called: Parathyroid gland carcinoma; CDC73-Related Parathyroid Carcinoma. Identifiers: Orphanet 143, MedGen C0687150, MONDO:0012004, OMIM 608266, HP:0006780.
Hereditary cancer-predisposing syndrome. Also called: Hereditary neoplastic syndrome; Neoplastic Syndromes, Hereditary; Tumor predisposition; Hereditary Cancer Syndrome. Identifiers: Orphanet 140162, MedGen C0027672, MeSH D009386, MONDO:0015356.

Allele frequency attached by ClinVar (database versions not stated): gnomAD 0.00001; gnomAD exomes 0.00001 and 0.00002; TOPMed 0.00001; 1000 Genomes Project 30x 0.00016; 1000 Genomes Project 0.00020.
gnomAD v4.1: 7 of 1,609,004 alleles (0.00044%); highest among the groups gnomAD compares: Admixed American, 0.01%; no homozygotes.

Submissions (3):

Labcorp Genetics (formerly Invitae), Labcorp
Classification: Uncertain significance for Parathyroid carcinoma. Last evaluated: 2025-12-23. Review status: criteria provided, single submitter. Criteria: Invitae Variant Classification Sherloc (09022015). Collection method: clinical testing. Allele origin: germline.
Comment: This sequence change replaces histidine, which is basic and polar, with arginine, which is basic and polar, at codon 525 of the CDC73 protein (p.His525Arg). This variant is present in population databases (rs188778681, gnomAD 0.01%). This variant has not been reported in the literature in individuals affected with CDC73-related conditions. ClinVar contains an entry for this variant (Variation ID: 531643). Invitae Evidence Modeling of protein sequence and biophysical properties (such as structural, functional, and spatial information, amino acid conservation, physicochemical variation, residue mobility, and thermodynamic stability) indicates that this missense variant is not expected to disrupt CDC73 protein function with a negative predictive value of 80%. In summary, the available evidence is currently insufficient to determine the role of this variant in disease. Therefore, it has been classified as a Variant of Uncertain Significance.

GeneDx
Classification: Uncertain significance. Last evaluated: 2025-08-07. Review status: criteria provided, single submitter. Criteria: GeneDx Variant Classification Process June 2021. Collection method: clinical testing. Allele origin: germline. Affected: yes.
Comment: Not observed at significant frequency in large population cohorts (gnomAD); In silico analysis suggests that this missense variant does not alter protein structure/function; Has not been previously published as pathogenic or benign to our knowledge; This variant is associated with the following publications: (PMID: 15923622)

Ambry Genetics
Classification: Likely benign for Hereditary cancer-predisposing syndrome. Last evaluated: 2023-08-29. Review status: criteria provided, single submitter. Criteria: Ambry Variant Classification Scheme 2023. Collection method: clinical testing. Allele origin: germline.